The following is an entry in ClinVar:

NC_000022.11:g.40345887C>T

Gene: ADSL (adenylosuccinate lyase; plus strand). Cytogenetic location: 22q13.1.
Variant type: single nucleotide variant.
Genome position: GRCh38 VCF-style: chr22-40345887-C-T. GRCh37 (hg19) VCF-style: chr22-40741891-C-T.
Identifiers: ClinVar variation 1063637 (VCV001063637.4), dbSNP rs897153956, ClinGen allele CA324446428.

ClinVar aggregate classification (germline): Uncertain significance (1 of 4 stars; one submission).

Conditions:
Adenylosuccinate lyase deficiency (ADSLD). Also called: ADSL DEFICIENCY. Identifiers: Orphanet 46, MedGen C0268126, MONDO:0007068, OMIM 103050.

Allele frequency attached by ClinVar (database versions not stated): TOPMed 0.00002; 1000 Genomes Project 30x 0.00016.

Submission:

Labcorp Genetics (formerly Invitae), Labcorp
Classification: Uncertain significance for Adenylosuccinate lyase deficiency. Last evaluated: 2022-08-03. Review status: criteria provided, single submitter. Criteria: Invitae Variant Classification Sherloc (09022015). Collection method: clinical testing. Allele origin: germline.
Comment: This variant occurs in a non-coding region of the ADSL gene. It does not change the encoded amino acid sequence of the ADSL protein. This variant is present in population databases (no rsID available, gnomAD 0.02%). This variant has not been reported in the literature in individuals affected with ADSL-related conditions. Experimental studies and prediction algorithms are not available or were not evaluated, and the functional significance of this variant is currently unknown. In summary, the available evidence is currently insufficient to determine the role of this variant in disease. Therefore, it has been classified as a Variant of Uncertain Significance.